The following is an entry in ClinVar:

NM_001365276.2(TNXB):c.10465C>T (p.Gln3489Ter)

Gene: TNXB (tenascin XB; minus strand). Cytogenetic location: 6p21.33.
Variant type: single nucleotide variant.
Coding change: c.10465C>T on transcript NM_001365276.2 (MANE Select); coding-DNA position 10465, C replaced by T.
Protein change: p.Gln3489Ter; replaces glutamine 3489 with a stop codon.
Molecular consequence: nonsense.
Genome position (GRCh38, 1-based): chr6:32,046,316, G>A on the plus strand (C>T on the coding strand, the complement: TNXB is on the minus strand). VCF-style: chr6-32046316-G-A. GRCh37 (hg19) VCF-style: chr6-32014093-G-A.
Other names: c.11206C>T, p.Gln3736Ter (NM_001428335.1); c.10459C>T, p.Gln3487Ter (NM_019105.8); short protein forms Q3487*, Q3489*, Q3736*.
Identifiers: ClinVar variation 5014434 (VCV005014434.1).

ClinVar aggregate classification (germline): Pathogenic (1 of 4 stars; one submission).

Conditions:
Ehlers-Danlos syndrome due to tenascin-X deficiency (EDSCLL1). Also called: EDS DUE TO TNX DEFICIENCY; TNX DEFICIENCY; Ehlers-Danlos syndrome, classic-like, 1; EHLERS-DANLOS SYNDROME, CLASSIC-LIKE; TNXB-Related Classical-Like Ehlers-Danlos Syndrome. Identifiers: Orphanet 230839, MedGen C1848029, MONDO:0011670, OMIM 606408.

gnomAD v4.1: 11 of 1,606,656 alleles (0.00068%); highest among the groups gnomAD compares: Non-Finnish European, 0.00093%; no homozygotes.

Submission:

Myriad Genetics, Inc.
Classification: Pathogenic for Ehlers-Danlos syndrome due to tenascin-X deficiency. Last evaluated: 2025-05-13. Review status: criteria provided, single submitter. Criteria: Myriad Autosomal Dominant, Autosomal Recessive and X-Linked Classification Criteria (2023). Collection method: clinical testing. Allele origin: unknown.
Comment: NM_019105.6(TNXB):c.10459C>T(Q3487*) is expected to be pathogenic in the context of classical-like Ehlers-Danlos syndrome, TNXB-related. This variant is predicted to lead to an abnormal or absent protein product due to the creation of a premature termination codon in TNXB, a gene where loss-of-function variants are known to be pathogenic. Please note: this variant was assessed in the context of healthy population screening.